The following is an entry in ClinVar:

NM_000096.4(CP):c.1944C>T (p.Ser648=)

Gene: CP (ceruloplasmin; minus strand). Cytogenetic location: 3q24.
Variant type: single nucleotide variant.
Coding change: c.1944C>T on transcript NM_000096.4 (MANE Select); coding-DNA position 1944, C replaced by T.
Protein change: p.Ser648=; no amino-acid change (serine 648 retained).
Molecular consequence: synonymous variant.
Genome position (GRCh38, 1-based): chr3:149,186,653, G>A on the plus strand (C>T on the coding strand, the complement: CP is on the minus strand). VCF-style: chr3-149186653-G-A. GRCh37 (hg19) VCF-style: chr3-148904440-G-A.
Identifiers: ClinVar variation 766944 (VCV000766944.29), dbSNP rs376272235, ClinGen allele CA2660877.

ClinVar aggregate classification (germline): Likely benign. Review status: criteria provided, multiple submitters, no conflicts (2 of 4 stars). 2 submissions from 2 submitters: Likely benign (2). Last evaluated 2025-09-23.

Conditions:
Deficiency of ferroxidase (ACEP). Also called: Ceruloplasmin deficiency; Familial apoceruloplasmin deficiency; Hereditary ceruloplasmin deficiency; NEURODEGENERATION WITH BRAIN IRON ACCUMULATION 10; Aceruloplasminemia; Deficiency of ceruloplasmin. Identifiers: Orphanet 48818, MedGen C0878682, MONDO:0011426, OMIM 604290, HP:0025498.

Allele frequency attached by ClinVar (database versions not stated): gnomAD 0.00003; ExAC 0.00007; gnomAD exomes 0.00008; TOPMed 0.00009; ESP Exome Variant Server 0.00023.
gnomAD v4.1: 135 of 1,613,986 alleles (0.0084%); highest among the groups gnomAD compares: Middle Eastern, 0.016%; no homozygotes.

Submissions (2):

Labcorp Genetics (formerly Invitae), Labcorp
Classification: Likely benign for Deficiency of ferroxidase. Last evaluated: 2025-09-23. Review status: criteria provided, single submitter. Criteria: Invitae Variant Classification Sherloc (09022015). Collection method: clinical testing. Allele origin: germline.

CeGaT Center for Human Genetics Tuebingen
Classification: Likely benign. Last evaluated: 2024-01-01. Review status: criteria provided, single submitter. Criteria: CeGaT Center For Human Genetics Tuebingen Variant Classification Criteria Version 2. Collection method: clinical testing. Allele origin: germline. Affected: yes. Observed: 1 variant allele.
Comment: CP: BP4, BP7